The following is an entry in ClinVar:

ClinVar aggregate classification (germline): Uncertain significance (1 of 4 stars; one submission).

Allele frequency attached by ClinVar (database versions not stated): TOPMed below 0.00001 and 0.00001; gnomAD 0.00001.

Submission:

GeneDx
Classification: Uncertain significance. Last evaluated: 2017-02-07. Review status: criteria provided, single submitter. Criteria: GeneDx Variant Classification (06012015). Collection method: clinical testing. Allele origin: germline. Affected: yes.
Comment: The N439D variant in the CHN1 gene has not been reported previously as a pathogenic variant, nor as a benign variant, to our knowledge. The N439D variant is not observed in large population cohorts (Lek et al., 2016; 1000 Genomes Consortium et al., 2015; Exome Variant Server). The N439D variant is a semi-conservative amino acid substitution, which may impact secondary protein structure as these residues differ in some properties. This substitution occurs at a position that is conserved across species. In silico analysis is inconsistent in its predictions as to whether or not the variant is damaging to the protein structure/function. We interpret N439D as a variant of uncertain significance.

NM_001822.7(CHN1):c.1315A>G (p.Asn439Asp)

Gene: CHN1 (chimerin 1; minus strand). Cytogenetic location: 2q31.1.
Variant type: single nucleotide variant.
Coding change: c.1315A>G on transcript NM_001822.7 (MANE Select); coding-DNA position 1315, A replaced by G.
Protein change: p.Asn439Asp; replaces asparagine 439 with aspartic acid.
Molecular consequence: missense variant. On other transcripts: non-coding transcript variant (1).
Genome position (GRCh38, 1-based): chr2:174,800,181, T>C on the plus strand (A>G on the coding strand, the complement: CHN1 is on the minus strand). VCF-style: chr2-174800181-T-C. GRCh37 (hg19) VCF-style: chr2-175664909-T-C.
Other names: c.1237A>G, p.Asn413Asp (NM_001025201.4); c.940A>G, p.Asn314Asp (NM_001206602.2); c.1315A>G, p.Asn439Asp (NM_001371513.1); c.1366A>G, p.Asn456Asp (NM_001371514.1); short protein forms N439D, N413D, N314D, N456D.
Identifiers: ClinVar variation 423161 (VCV000423161.2), dbSNP rs1064796269, ClinGen allele CA16617328.